The following is an entry in ClinVar:

NM_001365276.2(TNXB):c.7634C>T (p.Pro2545Leu)

Gene: TNXB (tenascin XB; minus strand). Cytogenetic location: 6p21.33.
Variant type: single nucleotide variant.
Coding change: c.7634C>T on transcript NM_001365276.2 (MANE Select); coding-DNA position 7634, C replaced by T.
Protein change: p.Pro2545Leu; replaces proline 2545 with leucine.
Molecular consequence: missense variant.
Genome position (GRCh38, 1-based): chr6:32,058,249, G>A on the plus strand (C>T on the coding strand, the complement: TNXB is on the minus strand). VCF-style: chr6-32058249-G-A. GRCh37 (hg19) VCF-style: chr6-32026026-G-A.
Other names: c.7634C>T, p.Pro2545Leu (NM_019105.8); short protein forms P2545L.
Identifiers: ClinVar variation 3327851 (VCV003327851.2).

ClinVar aggregate classification (germline): Uncertain significance. Review status: criteria provided, multiple submitters, no conflicts (2 of 4 stars). 2 submissions from 2 submitters: Uncertain significance (2). Last evaluated 2026-04-28.

Conditions:
Cardiovascular phenotype. Identifiers: MedGen CN230736.

gnomAD v4.1: 21 of 1,612,500 alleles (0.0013%); highest among the groups gnomAD compares: Non-Finnish European, 0.0017%; no homozygotes.

Submissions (2):

Women's Health and Genetics/Laboratory Corporation of America, LabCorp
Classification: Uncertain significance. Last evaluated: 2026-04-28. Review status: criteria provided, single submitter. Criteria: LabCorp Variant Classification Summary - May 2015. Collection method: clinical testing. Allele origin: germline.
Comment: Variant summary: TNXB c.7634C>T (p.Pro2545Leu) results in a non-conservative amino acid change located in the Fibronectin type-III repeat domain (IPR003961) of the encoded protein sequence. Algorithms developed to predict the effect of missense changes on protein structure and function are either unavailable or do not agree on the potential impact of this missense change. The variant allele was found at a frequency of 4.1e-06 in 245790 control chromosomes. The available data on variant occurrences in the general population are insufficient to allow any conclusion about variant significance. To our knowledge, no occurrence of c.7634C>T in individuals affected with TNXB-related conditions and no experimental evidence demonstrating its impact on protein function have been reported. ClinVar contains an entry for this variant (Variation ID: 3327851). Based on the evidence outlined above, the variant was classified as uncertain significance.

Ambry Genetics
Classification: Uncertain significance for Cardiovascular phenotype. Last evaluated: 2024-06-09. Review status: criteria provided, single submitter. Criteria: Ambry Variant Classification Scheme 2023. Collection method: clinical testing. Allele origin: germline.
Comment: The p.P2545L variant (also known as c.7634C>T), located in coding exon 21 of the TNXB gene, results from a C to T substitution at nucleotide position 7634. The proline at codon 2545 is replaced by leucine, an amino acid with similar properties. This amino acid position is conserved. In addition, this alteration is predicted to be tolerated by in silico analysis. Based on the available evidence, the clinical significance of this variant remains unclear.